The following is an entry in ClinVar:

NM_004329.3(BMPR1A):c.713G>T (p.Arg238Leu)

Gene: BMPR1A (bone morphogenetic protein receptor type 1A; plus strand). Cytogenetic location: 10q23.2.
Variant type: single nucleotide variant.
Coding change: c.713G>T on transcript NM_004329.3 (MANE Select); coding-DNA position 713, G replaced by T.
Protein change: p.Arg238Leu; replaces arginine 238 with leucine.
Molecular consequence: missense variant.
Genome position (GRCh38, 1-based): chr10:86,917,171, G>T. VCF-style: chr10-86917171-G-T. GRCh37 (hg19) VCF-style: chr10-88676928-G-T.
Other names: short protein forms R238L.
Identifiers: ClinVar variation 1171821 (VCV001171821.3), dbSNP rs191742018, ClinGen allele CA377457207.

ClinVar aggregate classification (germline): Uncertain significance. Review status: criteria provided, multiple submitters, no conflicts (2 of 4 stars). 2 submissions from 2 submitters: Uncertain significance (2). Last evaluated 2026-03-18.

Conditions:
Hereditary cancer-predisposing syndrome. Also called: Neoplastic Syndromes, Hereditary; Tumor predisposition; Hereditary Cancer Syndrome; Hereditary neoplastic syndrome. Identifiers: Orphanet 140162, MedGen C0027672, MeSH D009386, MONDO:0015356.

Submissions (2):

Ambry Genetics
Classification: Uncertain significance for Hereditary cancer-predisposing syndrome. Last evaluated: 2026-03-18. Review status: criteria provided, single submitter. Criteria: Ambry Variant Classification Scheme 2023. Collection method: clinical testing. Allele origin: germline.
Comment: The p.R238L variant (also known as c.713G>T), located in coding exon 7 of the BMPR1A gene, results from a G to T substitution at nucleotide position 713. The arginine at codon 238 is replaced by leucine, an amino acid with dissimilar properties. This amino acid position is highly conserved in available vertebrate species. In addition, this alteration is predicted to be deleterious by in silico analysis. Based on the available evidence, the clinical significance of this variant remains unclear.

Color Diagnostics, LLC DBA Color Health
Classification: Uncertain significance for Hereditary cancer-predisposing syndrome. Last evaluated: 2020-12-23. Review status: criteria provided, single submitter. Criteria: ACMG Guidelines, 2015. Collection method: clinical testing. Allele origin: germline.
Comment: This missense variant replaces arginine with leucine at codon 238 of the BMPR1A protein. Computational prediction suggests that this variant may have deleterious impact on protein structure and function (internally defined REVEL score threshold >= 0.7, PMID: 27666373). To our knowledge, functional studies have not been reported for this variant. This variant has not been reported in individuals affected with hereditary cancer in the literature. This variant has not been identified in the general population by the Genome Aggregation Database (gnomAD). The available evidence is insufficient to determine the role of this variant in disease conclusively. Therefore, this variant is classified as a Variant of Uncertain Significance.